The following is an entry in ClinVar:

ClinVar aggregate classification (germline): Benign/Likely benign. Review status: criteria provided, multiple submitters, no conflicts (2 of 4 stars). 6 submissions from 5 submitters: Benign (3); Likely benign (3). Last evaluated 2026-01-28.

Conditions:
Disorders of Intracellular Cobalamin Metabolism. Identifiers: MedGen CN043592.
Methylmalonic aciduria and homocystinuria type cblD (MAHCD). Also called: Methylmalonic aciduria with homocystinuria cblD type; METHYLMALONIC ACIDEMIA, cblH TYPE. Identifiers: Orphanet 622, Orphanet 79283, MedGen C1848552, MONDO:0010185, OMIM 277410.

Allele frequency attached by ClinVar (database versions not stated): gnomAD exomes 0.00062 and 0.00152; ExAC 0.00182; gnomAD 0.00567 and 0.00611; ESP Exome Variant Server 0.00577; 1000 Genomes Project 30x 0.00609; 1000 Genomes Project 0.00639; TOPMed 0.00660.
gnomAD v4.1: 1,793 of 1,601,534 alleles (0.11%); highest among the groups gnomAD compares: African/African-American, 2.1%; 20 homozygotes.

Submissions (6):

Labcorp Genetics (formerly Invitae), Labcorp
Classification: Benign for Methylmalonic aciduria and homocystinuria type cblD. Last evaluated: 2026-01-28. Review status: criteria provided, single submitter. Criteria: Invitae Variant Classification Sherloc (09022015). Collection method: clinical testing. Allele origin: germline.

Illumina Laboratory Services, Illumina
Classification: Likely benign for Methylmalonic aciduria and homocystinuria type cblD. Last evaluated: 2018-01-12. Review status: criteria provided, single submitter. Criteria: ICSL Variant Classification Criteria 13 December 2019. Collection method: clinical testing. Allele origin: germline.
Comment: This variant was observed in the ICSL laboratory as part of a predisposition screen in an ostensibly healthy population. It had not been previously curated by ICSL or reported in the Human Gene Mutation Database (HGMD: prior to June 1st, 2018), and was therefore a candidate for classification through an automated scoring system. Utilizing variant allele frequency, disease prevalence and penetrance estimates, and inheritance mode, an automated score was calculated to assess if this variant is too frequent to cause the disease. Based on the score and internal cut-off values, a variant classified as likely benign is not then subjected to further curation. The score for this variant resulted in a classification of likely benign for this disease.

Illumina Laboratory Services, Illumina
Classification: Benign for Disorders of Intracellular Cobalamin Metabolism. Last evaluated: 2018-01-12. Review status: criteria provided, single submitter. Criteria: ICSL Variant Classification Criteria 13 December 2019. Collection method: clinical testing. Allele origin: germline.
Comment: This variant was observed in the ICSL laboratory as part of a predisposition screen in an ostensibly healthy population. It had not been previously curated by ICSL or reported in the Human Gene Mutation Database (HGMD: prior to June 1st, 2018), and was therefore a candidate for classification through an automated scoring system. Utilizing variant allele frequency, disease prevalence and penetrance estimates, and inheritance mode, an automated score was calculated to assess if this variant is too frequent to cause the disease. Based on the score and internal cut-off values, a variant classified as benign is not then subjected to further curation. The score for this variant resulted in a classification of benign for this disease.

Center for Pediatric Genomic Medicine, Children's Mercy Hospital and Clinics
Classification: Likely benign. Last evaluated: 2017-01-13. Review status: criteria provided, single submitter. Criteria: ACMG Guidelines, 2015. Collection method: clinical testing. Allele origin: germline.
ClinVar note: Converted during submission from Likely Benign to Likely benign.

GeneDx
Classification: Benign. Last evaluated: 2016-10-06. Review status: criteria provided, single submitter. Criteria: GeneDx Variant Classification (06012015). Collection method: clinical testing. Allele origin: germline. Affected: yes.
Comment: This variant is considered likely benign or benign based on one or more of the following criteria: it is a conservative change, it occurs at a poorly conserved position in the protein, it is predicted to be benign by multiple in silico algorithms, and/or has population frequency not consistent with disease.

Breakthrough Genomics
Classification: Likely benign. Review status: criteria provided, single submitter. Criteria: ACMG Guidelines, 2015. Collection method: not provided. Allele origin: germline. Inheritance: Autosomal recessive inheritance. Affected: yes.

NM_015702.3(MMADHC):c.473G>A (p.Arg158Gln)

Gene: MMADHC (metabolism of cobalamin associated D; minus strand). Cytogenetic location: 2q23.2.
Variant type: single nucleotide variant.
Coding change: c.473G>A on transcript NM_015702.3 (MANE Select); coding-DNA position 473, G replaced by A.
Protein change: p.Arg158Gln; replaces arginine 158 with glutamine.
Molecular consequence: missense variant.
Genome position (GRCh38, 1-based): chr2:149,576,442, C>T on the plus strand (G>A on the coding strand, the complement: MMADHC is on the minus strand). VCF-style: chr2-149576442-C-T. GRCh37 (hg19) VCF-style: chr2-150432956-C-T.
Other names: short protein forms R158Q.
Identifiers: ClinVar variation 377064 (VCV000377064.18), dbSNP rs114276563, ClinGen allele CA1902398.